The following is an entry in ClinVar:

ClinVar aggregate classification (germline): Uncertain significance (1 of 4 stars; one submission).

Conditions:
Bloom syndrome (BLM). Also called: Bloom-Torre-Machacek syndrome. Identifiers: Orphanet 125, MedGen C0005859, MONDO:0008876, OMIM 210900.

gnomAD v4.1: 1 of 1,614,010 alleles (0.000062%); highest among the groups gnomAD compares: Non-Finnish European, 0.000085%; no homozygotes.

Submission:

Labcorp Genetics (formerly Invitae), Labcorp
Classification: Uncertain significance for Bloom syndrome. Last evaluated: 2024-09-08. Review status: criteria provided, single submitter. Criteria: Invitae Variant Classification Sherloc (09022015). Collection method: clinical testing. Allele origin: germline.
Comment: This sequence change replaces aspartic acid, which is acidic and polar, with glutamic acid, which is acidic and polar, at codon 467 of the BLM protein (p.Asp467Glu). This variant is not present in population databases (gnomAD no frequency). This variant has not been reported in the literature in individuals affected with BLM-related conditions. Invitae Evidence Modeling of protein sequence and biophysical properties (such as structural, functional, and spatial information, amino acid conservation, physicochemical variation, residue mobility, and thermodynamic stability) indicates that this missense variant is not expected to disrupt BLM protein function with a negative predictive value of 80%. In summary, the available evidence is currently insufficient to determine the role of this variant in disease. Therefore, it has been classified as a Variant of Uncertain Significance.

NM_000057.4(BLM):c.1401C>G (p.Asp467Glu)

Gene: BLM (BLM RecQ like helicase; plus strand). Cytogenetic location: 15q26.1.
Variant type: single nucleotide variant.
Coding change: c.1401C>G on transcript NM_000057.4 (MANE Select); coding-DNA position 1401, C replaced by G.
Protein change: p.Asp467Glu; replaces aspartic acid 467 with glutamic acid.
Molecular consequence: missense variant.
Genome position (GRCh38, 1-based): chr15:90,760,774, C>G. VCF-style: chr15-90760774-C-G. GRCh37 (hg19) VCF-style: chr15-91304004-C-G.
Other names: c.1401C>G, p.Asp467Glu (NM_001287246.2, NM_001287247.2); c.276C>G, p.Asp92Glu (NM_001287248.2); short protein forms D92E, D467E.
Identifiers: ClinVar variation 3666752 (VCV003666752.2).